The following is an entry in ClinVar:

ClinVar aggregate classification (germline): Uncertain significance (1 of 4 stars; one submission).

Conditions:
Familial adenomatous polyposis 1 (FAP1). Also called: FAMILIAL ADENOMATOUS POLYPOSIS 1, ATTENUATED; POLYPOSIS, ADENOMATOUS INTESTINAL. Identifiers: MedGen C2713442, MONDO:0021056, OMIM 175100. Disease mechanism: loss of function.

Submission:

Labcorp Genetics (formerly Invitae), Labcorp
Classification: Uncertain significance for Familial adenomatous polyposis 1. Last evaluated: 2024-10-09. Review status: criteria provided, single submitter. Criteria: Invitae Variant Classification Sherloc (09022015). Collection method: clinical testing. Allele origin: germline.
Comment: This sequence change replaces phenylalanine, which is neutral and non-polar, with valine, which is neutral and non-polar, at codon 1491 of the APC protein (p.Phe1491Val). This variant is not present in population databases (gnomAD no frequency). This variant has not been reported in the literature in individuals affected with APC-related conditions. Invitae Evidence Modeling of protein sequence and biophysical properties (such as structural, functional, and spatial information, amino acid conservation, physicochemical variation, residue mobility, and thermodynamic stability) indicates that this missense variant is not expected to disrupt APC protein function with a negative predictive value of 95%. In summary, the available evidence is currently insufficient to determine the role of this variant in disease. Therefore, it has been classified as a Variant of Uncertain Significance.

NM_000038.6(APC):c.4471T>G (p.Phe1491Val)

Gene: APC (APC regulator of Wnt signaling pathway; plus strand). Cytogenetic location: 5q22.2.
Variant type: single nucleotide variant.
Coding change: c.4471T>G on transcript NM_000038.6 (MANE Select); coding-DNA position 4471, T replaced by G.
Protein change: p.Phe1491Val; replaces phenylalanine 1491 with valine.
Molecular consequence: missense variant. On other transcripts: non-coding transcript variant (2).
Genome position (GRCh38, 1-based): chr5:112,840,065, T>G. VCF-style: chr5-112840065-T-G. GRCh37 (hg19) VCF-style: chr5-112175762-T-G.
Other names: c.4471T>G, p.Phe1491Val (NM_001127510.3, NM_001354895.2, NM_001407450.1); c.4417T>G, p.Phe1473Val (NM_001127511.3); c.4525T>G, p.Phe1509Val (NM_001354896.2, NM_001407447.1, NM_001407448.1 and 1 more transcripts); c.4501T>G, p.Phe1501Val (NM_001354897.2); c.4396T>G, p.Phe1466Val (NM_001354898.2); c.4387T>G, p.Phe1463Val (NM_001354899.2); c.4348T>G, p.Phe1450Val (NM_001354900.2); c.4294T>G, p.Phe1432Val (NM_001354901.2, NM_001407453.1); and 11 more; short protein forms F1400V, F1466V, F1509V, F1331V, F1362V, F1481V, F1491V, F1501V.
Identifiers: ClinVar variation 2793789 (VCV002793789.3), dbSNP rs2149915587, ClinGen allele CA16031119.